The following is an entry in ClinVar:

ClinVar aggregate classification (germline): Uncertain significance (1 of 4 stars; one submission).

Conditions:
Progressive encephalopathy with leukodystrophy due to DECR deficiency. Identifiers: Orphanet 431361, MedGen C1857252, MONDO:0014464, OMIM 616034.

Allele frequency attached by ClinVar (database versions not stated): ExAC 0.00001; TOPMed 0.00001.
gnomAD v4.1: 1 of 1,614,020 alleles (0.000062%); no homozygotes.

Submission:

Labcorp Genetics (formerly Invitae), Labcorp
Classification: Uncertain significance for Progressive encephalopathy with leukodystrophy due to DECR deficiency. Last evaluated: 2021-08-16. Review status: criteria provided, single submitter. Criteria: Invitae Variant Classification Sherloc (09022015). Collection method: clinical testing. Allele origin: germline.
Comment: In summary, the available evidence is currently insufficient to determine the role of this variant in disease. Therefore, it has been classified as a Variant of Uncertain Significance. Algorithms developed to predict the effect of missense changes on protein structure and function (SIFT, PolyPhen-2, Align-GVGD) all suggest that this variant is likely to be tolerated. This variant has not been reported in the literature in individuals affected with NADK2-related conditions. This variant is present in population databases (rs770311243, ExAC no frequency). This sequence change replaces isoleucine with threonine at codon 231 of the NADK2 protein (p.Ile231Thr). The isoleucine residue is highly conserved and there is a moderate physicochemical difference between isoleucine and threonine.

NM_001085411.3(NADK2):c.692T>C (p.Ile231Thr)

Gene: NADK2 (NAD kinase 2, mitochondrial; minus strand). Cytogenetic location: 5p13.2.
Variant type: single nucleotide variant.
Coding change: c.692T>C on transcript NM_001085411.3 (MANE Select); coding-DNA position 692, T replaced by C.
Protein change: p.Ile231Thr; replaces isoleucine 231 with threonine.
Molecular consequence: missense variant.
Genome position (GRCh38, 1-based): chr5:36,217,837, A>G on the plus strand (T>C on the coding strand, the complement: NADK2 is on the minus strand). VCF-style: chr5-36217837-A-G. GRCh37 (hg19) VCF-style: chr5-36217939-A-G.
Other names: c.203T>C, p.Ile68Thr (NM_001287340.2, NM_001287341.2, NM_153013.5); short protein forms I231T, I68T.
Identifiers: ClinVar variation 1387897 (VCV001387897.6), dbSNP rs770311243, ClinGen allele CA3234638.